The following is an entry in ClinVar:

ClinVar aggregate classification (germline): Uncertain significance. Review status: criteria provided, multiple submitters, no conflicts (2 of 4 stars). 2 submissions from 2 submitters: Uncertain significance (2). Last evaluated 2024-11-05.

Conditions:
Immunodeficiency 35 (IMD35). Also called: HIES WITH ATYPICAL MYCOBACTERIOSIS, AUTOSOMAL RECESSIVE; HYPER-IgE SYNDROME WITH ATYPICAL MYCOBACTERIOSIS, AUTOSOMAL RECESSIVE; TYK2 DEFICIENCY; Susceptibility to infection due to TYK2 deficiency. Identifiers: Orphanet 331226, MedGen C1969086, MONDO:0012682, OMIM 611521.

Allele frequency attached by ClinVar (database versions not stated): gnomAD exomes 0.00005 and 0.00009; gnomAD 0.00007 and 0.00008; ExAC 0.00008; ESP Exome Variant Server 0.00008; TOPMed 0.00012.
gnomAD v4.1: 90 of 1,613,300 alleles (0.0056%); highest among the groups gnomAD compares: Middle Eastern, 0.17%; no homozygotes.

Submissions (2):

Labcorp Genetics (formerly Invitae), Labcorp
Classification: Uncertain significance for Immunodeficiency 35. Last evaluated: 2024-11-05. Review status: criteria provided, single submitter. Criteria: Invitae Variant Classification Sherloc (09022015). Collection method: clinical testing. Allele origin: germline.
Comment: This sequence change replaces cysteine, which is neutral and slightly polar, with tyrosine, which is neutral and polar, at codon 1187 of the TYK2 protein (p.Cys1187Tyr). This variant is present in population databases (rs200932305, gnomAD 0.03%). This variant has not been reported in the literature in individuals affected with TYK2-related conditions. ClinVar contains an entry for this variant (Variation ID: 536641). An algorithm developed to predict the effect of missense changes on protein structure and function (PolyPhen-2) suggests that this variant is likely to be disruptive. In summary, the available evidence is currently insufficient to determine the role of this variant in disease. Therefore, it has been classified as a Variant of Uncertain Significance.

Illumina Laboratory Services, Illumina
Classification: Uncertain significance for Immunodeficiency 35. Last evaluated: 2017-04-28. Review status: criteria provided, single submitter. Criteria: ICSL Variant Classification Criteria 13 December 2019. Collection method: clinical testing. Allele origin: germline.

NM_003331.5(TYK2):c.3560G>A (p.Cys1187Tyr)

Gene: TYK2 (tyrosine kinase 2; minus strand). Cytogenetic location: 19p13.2.
Variant type: single nucleotide variant.
Coding change: c.3560G>A on transcript NM_003331.5 (MANE Select); coding-DNA position 3560, G replaced by A.
Protein change: p.Cys1187Tyr; replaces cysteine 1187 with tyrosine.
Molecular consequence: missense variant.
Genome position (GRCh38, 1-based): chr19:10,350,838, C>T on the plus strand (G>A on the coding strand, the complement: TYK2 is on the minus strand). VCF-style: chr19-10350838-C-T. GRCh37 (hg19) VCF-style: chr19-10461514-C-T.
Other names: c.3560G>A (LRG_121t1); short protein forms C1187Y.
Identifiers: ClinVar variation 536641 (VCV000536641.11), dbSNP rs200932305, ClinGen allele CA9192683.